The following is an entry in ClinVar:

ClinVar aggregate classification (germline): Uncertain significance. Review status: criteria provided, single submitter (1 of 4 stars). 2 submissions from 2 submitters: Uncertain significance (1). 1 of the submissions does not count toward it. Last evaluated 2020-05-21.

Conditions:
Breast and/or ovarian cancer. Identifiers: MedGen CN221562.

Allele frequency attached by ClinVar (database versions not stated): gnomAD exomes below 0.00001.
gnomAD v4.1: 1 of 1,613,088 alleles (0.000062%); highest among the groups gnomAD compares: East Asian, 0.0022%; no homozygotes.

Submissions (2):

CHEO Genetics Diagnostic Laboratory, Children's Hospital of Eastern Ontario
Classification: Uncertain significance for Breast and/or ovarian cancer. Last evaluated: 2020-05-21. Review status: criteria provided, single submitter. Criteria: ACMG Guidelines, 2015. Collection method: clinical testing. Allele origin: germline.

Leiden Open Variation Database
Classification: Uncertain significance. Last evaluated: 2018-10-10. Review status: no assertion criteria provided. Collection method: curation. Allele origin: germline. Affected: yes. Not counted in ClinVar's aggregate classification.
Comment: Curators: Marc Tischkowitz, Arleen D. Auerbach. Submitter to LOVD: Yukihide Momozawa.

Literature cited by the submitters: PubMed 30287823 (cited by Leiden Open Variation Database).

NM_024675.4(PALB2):c.3540A>G (p.Ile1180Met)

Gene: PALB2 (partner and localizer of BRCA2; minus strand). Cytogenetic location: 16p12.2.
Variant type: single nucleotide variant.
Coding change: c.3540A>G on transcript NM_024675.4 (MANE Select); coding-DNA position 3540, A replaced by G.
Protein change: p.Ile1180Met; replaces isoleucine 1180 with methionine.
Molecular consequence: missense variant.
Genome position (GRCh38, 1-based): chr16:23,603,480, T>C on the plus strand (A>G on the coding strand, the complement: PALB2 is on the minus strand). VCF-style: chr16-23603480-T-C. GRCh37 (hg19) VCF-style: chr16-23614801-T-C.
Other names: short protein forms I1180M.
Identifiers: ClinVar variation 830210 (VCV000830210.3), dbSNP rs1966395358, ClinGen allele CA395137719.